The following is an entry in ClinVar:

NM_000393.5(COL5A2):c.3972C>G (p.Ile1324Met)

Gene: COL5A2 (collagen type V alpha 2 chain; minus strand). Cytogenetic location: 2q32.2.
Variant type: single nucleotide variant.
Coding change: c.3972C>G on transcript NM_000393.5 (MANE Select); coding-DNA position 3972, C replaced by G.
Protein change: p.Ile1324Met; replaces isoleucine 1324 with methionine.
Molecular consequence: missense variant.
Genome position (GRCh38, 1-based): chr2:189,036,757, G>C on the plus strand (C>G on the coding strand, the complement: COL5A2 is on the minus strand). VCF-style: chr2-189036757-G-C. GRCh37 (hg19) VCF-style: chr2-189901483-G-C.
Other names: short protein forms I1324M.
Identifiers: ClinVar variation 4752784 (VCV004752784.1).

ClinVar aggregate classification (germline): Uncertain significance (1 of 4 stars; one submission).

Conditions:
Ehlers-Danlos syndrome, classic type, 1 (EDSCL1). Also called: EHLERS-DANLOS SYNDROME, GRAVIS TYPE; EHLERS-DANLOS SYNDROME, SEVERE CLASSIC TYPE; Ehlers-Danlos syndrome, type 1; Ehlers-Danlos Syndrome, Classic Type, COL5A1-Related; EDS I. Identifiers: MedGen C0268335, MONDO:0019567, OMIM 130000.

Submission:

Labcorp Genetics (formerly Invitae), Labcorp
Classification: Uncertain significance for Ehlers-Danlos syndrome, classic type, 1. Last evaluated: 2025-03-26. Review status: criteria provided, single submitter. Criteria: Invitae Variant Classification Sherloc (09022015). Collection method: clinical testing. Allele origin: germline.
Comment: This sequence change replaces isoleucine, which is neutral and non-polar, with methionine, which is neutral and non-polar, at codon 1324 of the COL5A2 protein (p.Ile1324Met). This variant is not present in population databases (gnomAD no frequency). This variant has not been reported in the literature in individuals affected with COL5A2-related conditions. Invitae Evidence Modeling of protein sequence and biophysical properties (such as structural, functional, and spatial information, amino acid conservation, physicochemical variation, residue mobility, and thermodynamic stability) indicates that this missense variant is not expected to disrupt COL5A2 protein function with a negative predictive value of 80%. In summary, the available evidence is currently insufficient to determine the role of this variant in disease. Therefore, it has been classified as a Variant of Uncertain Significance.